The following is an entry in ClinVar:

ClinVar aggregate classification (germline): Uncertain significance (1 of 4 stars; one submission).

Allele frequency attached by ClinVar (database versions not stated): TOPMed below 0.00001; ExAC 0.00001; gnomAD 0.00001; 1000 Genomes Project 0.00020; 1000 Genomes Project 30x 0.00031.
gnomAD v4.1: 16 of 1,614,028 alleles (0.00099%); highest among the groups gnomAD compares: Middle Eastern, 0.017%; no homozygotes.

Submission:

Labcorp Genetics (formerly Invitae), Labcorp
Classification: Uncertain significance. Last evaluated: 2026-01-26. Review status: criteria provided, single submitter. Criteria: Invitae Variant Classification Sherloc (09022015). Collection method: clinical testing. Allele origin: germline.
Comment: This sequence change replaces arginine, which is basic and polar, with glutamine, which is neutral and polar, at codon 293 of the ITGA3 protein (p.Arg293Gln). This variant is present in population databases (rs546685892, gnomAD 0.007%). This variant has not been reported in the literature in individuals affected with ITGA3-related conditions. ClinVar contains an entry for this variant (Variation ID: 1921910). Invitae Evidence Modeling of protein sequence and biophysical properties (such as structural, functional, and spatial information, amino acid conservation, physicochemical variation, residue mobility, and thermodynamic stability) indicates that this missense variant is not expected to disrupt ITGA3 protein function with a negative predictive value of 80%. In summary, the available evidence is currently insufficient to determine the role of this variant in disease. Therefore, it has been classified as a Variant of Uncertain Significance.

NM_002204.4(ITGA3):c.878G>A (p.Arg293Gln)

Gene: ITGA3 (integrin subunit alpha 3; plus strand). Cytogenetic location: 17q21.33.
Variant type: single nucleotide variant.
Coding change: c.878G>A on transcript NM_002204.4 (MANE Select); coding-DNA position 878, G replaced by A.
Protein change: p.Arg293Gln; replaces arginine 293 with glutamine.
Molecular consequence: missense variant.
Genome position (GRCh38, 1-based): chr17:50,071,437, G>A. VCF-style: chr17-50071437-G-A. GRCh37 (hg19) VCF-style: chr17-48148801-G-A.
Other names: short protein forms R293Q.
Identifiers: ClinVar variation 1921910 (VCV001921910.3), dbSNP rs546685892, ClinGen allele CA8641368.
Genomic context (GRCh38, chr17:50,071,437, plus strand): 5'-CACGGCACCGACATATGGGCGCGGTGTTCTTGCTGAGCCAGGAGGCAGGCGGAGACCTGC[G>A]GAGGAGGCAGGTGCTGGAGGGCTCGCAGGTGGGCGCCTATTTTGGCAGCGCCATTGCCCT-3'
Protein context (NP_002195.1, residues 283-303): LLSQEAGGDL[Arg293Gln]RRQVLEGSQV